The following is an entry in ClinVar:

NM_001429.4(EP300):c.4026G>A (p.Arg1342=)

Gene: EP300 (EP300 lysine acetyltransferase; plus strand). Cytogenetic location: 22q13.2.
Variant type: single nucleotide variant.
Coding change: c.4026G>A on transcript NM_001429.4 (MANE Select); coding-DNA position 4026, G replaced by A.
Protein change: p.Arg1342=; no amino-acid change (arginine 1342 retained).
Molecular consequence: synonymous variant.
Genome position (GRCh38, 1-based): chr22:41,168,721, G>A. VCF-style: chr22-41168721-G-A. GRCh37 (hg19) VCF-style: chr22-41564725-G-A.
Other names: c.3948G>A, p.Arg1316= (NM_001362843.2); c.4026G>A (NM_001429.3).
Identifiers: ClinVar variation 803702 (VCV000803702.26), dbSNP rs146119145, ClinGen allele CA10253326.

ClinVar aggregate classification (germline): Conflicting classifications of pathogenicity. Review status: criteria provided, conflicting classifications (1 of 4 stars). 7 submissions from 7 submitters: Uncertain significance (1); Benign (1); Likely benign (4). 1 of the submissions does not count toward it. Last evaluated 2026-02-01.

Conditions:
Rubinstein-Taybi syndrome due to EP300 haploinsufficiency. Also called: EP300-Related Rubinstein-Taybi Syndrome; RUBINSTEIN-TAYBI SYNDROME 2. Identifiers: Orphanet 353284, Orphanet 783, MedGen C3150941, MONDO:0013364, OMIM 613684.
Rubinstein-Taybi syndrome due to CREBBP mutations (RSTS1). Also called: RUBINSTEIN SYNDROME; CREBBP-Related Rubinstein-Taybi Syndrome; Rubinstein-Taybi syndrome 1; BROAD THUMBS AND GREAT TOES, CHARACTERISTIC FACIES, AND IMPAIRED INTELLECTUAL DEVELOPMENT; RUBINSTEIN-TAYBI SYNDROME 1, INCOMPLETE; BROAD THUMB-HALLUX SYNDROME. Identifiers: Orphanet 353277, Orphanet 783, MedGen C4551859, MONDO:0008393, OMIM 180849.
Inborn genetic diseases. Identifiers: MedGen C0950123, MeSH D030342.
EP300-related disorder. Also called: EP300-related condition; EP300-related disorders.
Intellectual disability. Also called: Intellectual developmental disorder; Intellectual functioning disability; intellectual disabilities. Identifiers: MedGen C3714756, MeSH D008607, MONDO:0001071, HP:0001249.

Allele frequency attached by ClinVar (database versions not stated): ExAC 0.00008; 1000 Genomes Project 30x 0.00016; gnomAD 0.00016; gnomAD exomes 0.00016 and 0.00023; TOPMed 0.00016; 1000 Genomes Project 0.00020; ESP Exome Variant Server 0.00023.
gnomAD v4.1: 378 of 1,614,176 alleles (0.023%); highest among the groups gnomAD compares: South Asian, 0.065%; 2 homozygotes.

Submissions (7):

CeGaT Center for Human Genetics Tuebingen
Classification: Likely benign. Last evaluated: 2026-02-01. Review status: criteria provided, single submitter. Criteria: CeGaT Center For Human Genetics Tuebingen Variant Classification Criteria Version 2. Collection method: clinical testing. Allele origin: germline. Affected: yes. Observed: 2 variant alleles.
Comment: EP300: BP4, BP7

Labcorp Genetics (formerly Invitae), Labcorp
Classification: Likely benign for Rubinstein-Taybi syndrome due to EP300 haploinsufficiency. Last evaluated: 2026-01-11. Review status: criteria provided, single submitter. Criteria: Invitae Variant Classification Sherloc (09022015). Collection method: clinical testing. Allele origin: germline.

Blueprint Genetics
Classification: Likely benign. Last evaluated: 2023-11-27. Review status: criteria provided, single submitter. Criteria: ACMG Guidelines, 2015. Collection method: clinical testing. Allele origin: germline.

Ambry Genetics
Classification: Likely benign for Inborn genetic diseases. Last evaluated: 2023-07-12. Review status: criteria provided, single submitter. Criteria: Ambry Variant Classification Scheme 2023. Collection method: clinical testing. Allele origin: germline.

Cambridge Genomics Laboratory, East Genomic Laboratory Hub, NHS Genomic Medicine Service
Classification: Benign for Intellectual disability. Last evaluated: 2019-11-26. Review status: criteria provided, single submitter. Criteria: ACGS Best Practice Guidelines for Variant Classification in Rare Disease 2020. Collection method: clinical testing. Allele origin: germline. Affected: yes. Observed: 1 variant allele.

Mendelics
Classification: Uncertain significance for Rubinstein-Taybi syndrome due to CREBBP mutations. Last evaluated: 2019-05-28. Review status: criteria provided, single submitter. Criteria: Mendelics Assertion Criteria 2017. Collection method: clinical testing. Allele origin: unknown.

PreventionGenetics, part of Exact Sciences
Classification: Likely benign for EP300-related condition. Last evaluated: 2022-02-21. Review status: no assertion criteria provided. Collection method: clinical testing. Allele origin: germline. Not counted in ClinVar's aggregate classification.
Comment: This variant is classified as likely benign based on ACMG/AMP sequence variant interpretation guidelines (Richards et al. 2015 PMID: 25741868, with internal and published modifications).